The following is an entry in ClinVar:

NM_001008537.3(NEXMIF):c.3808T>A (p.Ser1270Thr)

Gene: NEXMIF (neurite extension and migration factor; minus strand). Cytogenetic location: Xq13.3.
Variant type: single nucleotide variant.
Coding change: c.3808T>A on transcript NM_001008537.3 (MANE Select); coding-DNA position 3808, T replaced by A.
Protein change: p.Ser1270Thr; replaces serine 1270 with threonine.
Molecular consequence: missense variant.
Genome position (GRCh38, 1-based): chrX:74,740,749, A>T on the plus strand (T>A on the coding strand, the complement: NEXMIF is on the minus strand). VCF-style: chrX-74740749-A-T. GRCh37 (hg19) VCF-style: chrX-73960584-A-T.
Other names: short protein forms S1270T.
Identifiers: ClinVar variation 2704085 (VCV002704085.3), dbSNP rs2519911626, ClinGen allele CA413664707.

ClinVar aggregate classification (germline): Uncertain significance (1 of 4 stars; one submission).

Submission:

Labcorp Genetics (formerly Invitae), Labcorp
Classification: Uncertain significance. Last evaluated: 2023-12-19. Review status: criteria provided, single submitter. Criteria: Invitae Variant Classification Sherloc (09022015). Collection method: clinical testing. Allele origin: germline.
Comment: This sequence change replaces serine, which is neutral and polar, with threonine, which is neutral and polar, at codon 1270 of the NEXMIF protein (p.Ser1270Thr). This variant is not present in population databases (gnomAD no frequency). This variant has not been reported in the literature in individuals affected with NEXMIF-related conditions. An algorithm developed to predict the effect of missense changes on protein structure and function (PolyPhen-2) suggests that this variant is likely to be tolerated. In summary, the available evidence is currently insufficient to determine the role of this variant in disease. Therefore, it has been classified as a Variant of Uncertain Significance.